The following is an entry in ClinVar:

ClinVar aggregate classification (germline): Uncertain significance (1 of 4 stars; one submission).

Submission:

GeneDx
Classification: Uncertain significance. Last evaluated: 2025-07-18. Review status: criteria provided, single submitter. Criteria: GeneDx Variant Classification Process June 2021. Collection method: clinical testing. Allele origin: germline. Affected: yes.
Comment: Not observed at significant frequency in large population cohorts (gnomAD); In silico analysis suggests that this missense variant does not alter protein structure/function; This substitution is predicted to be within C-terminal cytoplasmic domain; Has not been previously published as pathogenic or benign to our knowledge; This variant is associated with the following publications: (PMID: 36198807, 34979445)

NM_001330260.2(SCN8A):c.5360C>G (p.Thr1787Ser)

Gene: SCN8A (sodium voltage-gated channel alpha subunit 8; plus strand). Cytogenetic location: 12q13.13.
Variant type: single nucleotide variant.
Coding change: c.5360C>G on transcript NM_001330260.2 (MANE Select); coding-DNA position 5360, C replaced by G.
Protein change: p.Thr1787Ser; replaces threonine 1787 with serine.
Molecular consequence: missense variant.
Genome position (GRCh38, 1-based): chr12:51,806,846, C>G. VCF-style: chr12-51806846-C-G. GRCh37 (hg19) VCF-style: chr12-52200630-C-G.
Other names: c.5237C>G, p.Thr1746Ser (NM_001177984.3, NM_001369788.1); c.5360C>G, p.Thr1787Ser (NM_014191.4); short protein forms T1746S, T1787S.
Identifiers: ClinVar variation 4686549 (VCV004686549.1).